The following is an entry in ClinVar:

ClinVar aggregate classification (germline): Uncertain significance. Review status: criteria provided, multiple submitters, no conflicts (2 of 4 stars). 2 submissions from 2 submitters: Uncertain significance (2). Last evaluated 2023-12-07.

Submissions (2):

Labcorp Genetics (formerly Invitae), Labcorp
Classification: Uncertain significance. Last evaluated: 2023-12-07. Review status: criteria provided, single submitter. Criteria: Invitae Variant Classification Sherloc (09022015). Collection method: clinical testing. Allele origin: germline.
Comment: This sequence change falls in intron 37 of the ABCA4 gene. It does not directly change the encoded amino acid sequence of the ABCA4 protein. This variant is not present in population databases (gnomAD no frequency). This variant has been observed in individual(s) with clinical features of ABCA4-related conditions (Invitae). ClinVar contains an entry for this variant (Variation ID: 1019159). Algorithms developed to predict the effect of sequence changes on RNA splicing suggest that this variant may disrupt the consensus splice site. In summary, the available evidence is currently insufficient to determine the role of this variant in disease. Therefore, it has been classified as a Variant of Uncertain Significance.

Blueprint Genetics
Classification: Uncertain significance. Last evaluated: 2019-08-26. Review status: criteria provided, single submitter. Criteria: ACMG Guidelines, 2015. Collection method: clinical testing. Allele origin: germline.

NM_000350.3(ABCA4):c.5313-5C>G

Gene: ABCA4 (ATP binding cassette subfamily A member 4; minus strand). Cytogenetic location: 1p22.1.
Variant type: single nucleotide variant.
Coding change: c.5313-5C>G on transcript NM_000350.3 (MANE Select); 5 bases into the intron before coding-DNA position 5313, C replaced by G.
Molecular consequence: intron variant.
Genome position (GRCh38, 1-based): chr1:94,014,695, G>C on the plus strand (C>G on the coding strand, the complement: ABCA4 is on the minus strand). VCF-style: chr1-94014695-G-C. GRCh37 (hg19) VCF-style: chr1-94480251-G-C.
Identifiers: ClinVar variation 1019159 (VCV001019159.11), dbSNP rs1659674840, ClinGen allele CA1181410820.